The following is an entry in ClinVar:

NM_001148.6(ANK2):c.2000A>G (p.His667Arg)

Gene: ANK2 (ankyrin 2; plus strand). Cytogenetic location: 4q26.
Variant type: single nucleotide variant.
Coding change: c.2000A>G on transcript NM_001148.6 (MANE Select); coding-DNA position 2000, A replaced by G.
Protein change: p.His667Arg; replaces histidine 667 with arginine.
Molecular consequence: missense variant.
Genome position (GRCh38, 1-based): chr4:113,282,793, A>G. VCF-style: chr4-113282793-A-G. GRCh37 (hg19) VCF-style: chr4-114203949-A-G.
Other names: c.1937A>G, p.His646Arg (NM_001127493.3, NM_001354239.2, NM_001354243.2 and 10 more transcripts); c.2000A>G, p.His667Arg (NM_001354225.2, NM_001354228.2, NM_001354232.2 and 6 more transcripts); c.2045A>G, p.His682Arg (NM_001354230.2, NM_001354231.2, NM_001354237.2 and 5 more transcripts); c.1901A>G, p.His634Arg (NM_001354245.2, NM_001354268.2); c.1913A>G, p.His638Arg (NM_001354249.2, NM_001354264.2, NM_001354266.2 and 10 more transcripts); c.1838A>G, p.His613Arg (NM_001354253.2, NM_001354257.2, NM_001354270.2 and 1 more transcripts); c.1814A>G, p.His605Arg (NM_001354260.2, NM_001354271.2, NM_001386151.1); c.1958A>G, p.His653Arg (NM_001354261.2, NM_001386147.1, NM_001386160.1); and 8 more; short protein forms H634R, H676R, H539R, H613R, H638R, H667R, H684R, H597R.
Identifiers: ClinVar variation 4742213 (VCV004742213.1).

ClinVar aggregate classification (germline): Uncertain significance (1 of 4 stars; one submission).

Conditions:
Long QT syndrome (LQTS). Identifiers: MedGen C0023976, MeSH D008133, MONDO:0002442. Disease mechanism: loss of function. Inheritance: Various modes of inheritance.

Submission:

Labcorp Genetics (formerly Invitae), Labcorp
Classification: Uncertain significance for Long QT syndrome. Last evaluated: 2025-08-30. Review status: criteria provided, single submitter. Criteria: Invitae Variant Classification Sherloc (09022015). Collection method: clinical testing. Allele origin: germline.
Comment: This sequence change replaces histidine, which is basic and polar, with arginine, which is basic and polar, at codon 667 of the ANK2 protein (p.His667Arg). This variant is not present in population databases (gnomAD no frequency). This variant has not been reported in the literature in individuals affected with ANK2-related conditions. Invitae Evidence Modeling of protein sequence and biophysical properties (such as structural, functional, and spatial information, amino acid conservation, physicochemical variation, residue mobility, and thermodynamic stability) indicates that this missense variant is expected to disrupt ANK2 protein function with a positive predictive value of 80%. In summary, the available evidence is currently insufficient to determine the role of this variant in disease. Therefore, it has been classified as a Variant of Uncertain Significance.